The following is an entry in ClinVar:

NM_139276.3(STAT3):c.1281+11T>C

Gene: STAT3 (signal transducer and activator of transcription 3; minus strand). Cytogenetic location: 17q21.2.
Variant type: single nucleotide variant.
Coding change: c.1281+11T>C on transcript NM_139276.3 (MANE Select); 11 bases into the intron after coding-DNA position 1281, T replaced by C.
Molecular consequence: intron variant.
Genome position (GRCh38, 1-based): chr17:42,329,399, A>G on the plus strand (T>C on the coding strand, the complement: STAT3 is on the minus strand). VCF-style: chr17-42329399-A-G. GRCh37 (hg19) VCF-style: chr17-40481417-A-G.
Other names: c.1185+11T>C (NM_001384989.1); c.1221+11T>C (NM_001384992.1); c.1281+11T>C (NM_001384984.1, NM_001369519.1, NM_003150.4 and 12 more transcripts); c.1203+11T>C (NM_001384985.1); c.1296+11T>C (NM_001384986.1, NM_001384990.1).
Identifiers: ClinVar variation 386943 (VCV000386943.7), dbSNP rs776564054, ClinGen allele CA8575376.

ClinVar aggregate classification (germline): Likely benign. Review status: criteria provided, multiple submitters, no conflicts (2 of 4 stars). 3 submissions from 3 submitters: Likely benign (3). Last evaluated 2024-11-25.

Conditions:
Hyper-IgE recurrent infection syndrome 1, autosomal dominant. Also called: Job's Syndrome; JOB SYNDROME; HYPER-IgE SYNDROME 1, AUTOSOMAL DOMINANT, WITH RECURRENT INFECTIONS; Hyper-IgE recurrent infection syndrome 1; STAT3 Hyper IgE Syndrome. Identifiers: Orphanet 2314, MedGen C2936739, MONDO:0007818, OMIM 147060.
STAT3 gain of function. Identifiers: MedGen C4288261.

Allele frequency attached by ClinVar (database versions not stated): gnomAD exomes below 0.00001; ExAC 0.00001.
gnomAD v4.1: 1 of 1,613,702 alleles (0.000062%); highest among the groups gnomAD compares: South Asian, 0.0011%; no homozygotes.

Submissions (3):

Blueprint Genetics
Classification: Likely benign. Last evaluated: 2024-11-25. Review status: criteria provided, single submitter. Criteria: ACMG Guidelines, 2015. Collection method: clinical testing. Allele origin: germline.

Labcorp Genetics (formerly Invitae), Labcorp
Classification: Likely benign for STAT3 gain of function; Hyper-IgE recurrent infection syndrome 1, autosomal dominant. Last evaluated: 2024-02-23. Review status: criteria provided, single submitter. Criteria: Invitae Variant Classification Sherloc (09022015). Collection method: clinical testing. Allele origin: germline.

GeneDx
Classification: Likely benign. Last evaluated: 2016-06-08. Review status: criteria provided, single submitter. Criteria: GeneDx Variant Classification (06012015). Collection method: clinical testing. Allele origin: germline. Affected: yes.
Comment: This variant is considered likely benign or benign based on one or more of the following criteria: it is a conservative change, it occurs at a poorly conserved position in the protein, it is predicted to be benign by multiple in silico algorithms, and/or has population frequency not consistent with disease.